The following is an entry in ClinVar:

NM_014806.5(RUSC2):c.2179C>T (p.Arg727Cys)

Gene: RUSC2 (RUN and SH3 domain containing 2; plus strand). Cytogenetic location: 9p13.3.
Variant type: single nucleotide variant.
Coding change: c.2179C>T on transcript NM_014806.5 (MANE Select); coding-DNA position 2179, C replaced by T.
Protein change: p.Arg727Cys; replaces arginine 727 with cysteine.
Molecular consequence: missense variant. On other transcripts: 5 prime UTR variant (1), non-coding transcript variant (1).
Genome position (GRCh38, 1-based): chr9:35,555,224, C>T. VCF-style: chr9-35555224-C-T. GRCh37 (hg19) VCF-style: chr9-35555221-C-T.
Other names: c.2179C>T, p.Arg727Cys (NM_001135999.2); c.-456C>T (NM_001330740.2); short protein forms R727C.
Identifiers: ClinVar variation 4747848 (VCV004747848.1).

ClinVar aggregate classification (germline): Uncertain significance (1 of 4 stars; one submission).

gnomAD v4.1: 25 of 1,613,022 alleles (0.0015%); highest among the groups gnomAD compares: South Asian, 0.0033%; no homozygotes.

Submission:

Labcorp Genetics (formerly Invitae), Labcorp
Classification: Uncertain significance. Last evaluated: 2025-03-05. Review status: criteria provided, single submitter. Criteria: Invitae Variant Classification Sherloc (09022015). Collection method: clinical testing. Allele origin: germline.
Comment: This sequence change replaces arginine, which is basic and polar, with cysteine, which is neutral and slightly polar, at codon 727 of the RUSC2 protein (p.Arg727Cys). This variant is present in population databases (rs754257661, gnomAD 0.006%). This variant has not been reported in the literature in individuals affected with RUSC2-related conditions. An algorithm developed to predict the effect of missense changes on protein structure and function (PolyPhen-2) suggests that this variant is likely to be disruptive. In summary, the available evidence is currently insufficient to determine the role of this variant in disease. Therefore, it has been classified as a Variant of Uncertain Significance.